The following is an entry in ClinVar:

NM_177438.3(DICER1):c.5692A>G (p.Arg1898Gly)

Gene: DICER1 (dicer 1, ribonuclease III; minus strand). Cytogenetic location: 14q32.13.
Variant type: single nucleotide variant.
Coding change: c.5692A>G on transcript NM_177438.3 (MANE Select); coding-DNA position 5692, A replaced by G.
Protein change: p.Arg1898Gly; replaces arginine 1898 with glycine.
Molecular consequence: missense variant. On other transcripts: 3 prime UTR variant (1).
Genome position (GRCh38, 1-based): chr14:95,090,575, T>C on the plus strand (A>G on the coding strand, the complement: DICER1 is on the minus strand). VCF-style: chr14-95090575-T-C. GRCh37 (hg19) VCF-style: chr14-95556912-T-C.
Other names: c.*39A>G (NM_001195573.1); c.5692A>G, p.Arg1898Gly (NM_001271282.3, NM_001291628.2, NM_030621.4); short protein forms R1898G.
Identifiers: ClinVar variation 933132 (VCV000933132.2), dbSNP rs1889702908, ClinGen allele CA390863216.
Genomic context (GRCh38, chr14:95,090,575, plus strand): 5'-GAGGTTGATTAGCTTTGAGGCTTCGGAGGGCTCTTCTTGCTGCTGCAGATTTGGCAATCC[T>C]GTAACTTCGACCAACACCTTTAAATTTCCCCTTTCCTACTACTTCCACAGTGACTCTGAC-3'
Protein context (NP_803187.1, residues 1888-1908): GKFKGVGRSY[Arg1898Gly]IAKSAAARRA

ClinVar aggregate classification (germline): Uncertain significance (1 of 4 stars; one submission).

Submission:

Foulkes Cancer Genetics LDI, Lady Davis Institute for Medical Research
Classification: Uncertain significance. Last evaluated: 2019-07-01. Review status: criteria provided, single submitter. Criteria: ACMG Guidelines, 2015. Collection method: curation. Allele origin: somatic. Affected: yes. Observed: 1 variant allele.
Comment: ACMG criteria met: PM1, PM2, BP1

Literature cited by the submitters: PubMed 24676357.